The following is an entry in ClinVar:

ClinVar aggregate classification (germline): Pathogenic (1 of 4 stars; one submission).

Conditions:
Primary ciliary dyskinesia. Also called: Ciliary dyskinesia. Identifiers: Orphanet 244, MedGen C0008780, MONDO:0016575, HP:0012265.

Submission:

Ambry Genetics
Classification: Pathogenic for Primary ciliary dyskinesia. Last evaluated: 2017-04-28. Review status: criteria provided, single submitter. Criteria: Ambry Variant Classification Scheme 2023. Collection method: clinical testing. Allele origin: germline.
Comment: The c.655-2A>G intronic pathogenic mutation results from an A to G substitution two nucleotides upstream from coding exon 8 in the OFD1 gene. This variant has been determined to be the result of a de novo mutation or germline mosaicism in one family with an isolated case of OFD1-related X-linked intellectual disability. This nucleotide position is highly conserved in available vertebrate species. Using the BDGP and ESEfinder splice site prediction tools, this alteration is predicted to abolish the native splice acceptor site; however, direct evidence is unavailable. In addition, alterations that disrupt the canonical splice site are expected to cause aberrant splicing, resulting in an abnormal protein or a transcript that is subject to nonsense-mediated mRNA decay. As such, this alteration is classified as a disease-causing mutation.

NM_003611.3(OFD1):c.655-2A>G

Gene: OFD1 (OFD1 centriole and centriolar satellite protein; plus strand). Cytogenetic location: Xp22.2.
Variant type: single nucleotide variant.
Coding change: c.655-2A>G on transcript NM_003611.3 (MANE Select); the canonical splice acceptor site of the intron before coding-DNA position 655, A replaced by G.
Molecular consequence: splice acceptor variant.
Genome position (GRCh38, 1-based): chrX:13,746,778, A>G. VCF-style: chrX-13746778-A-G. GRCh37 (hg19) VCF-style: chrX-13764897-A-G.
Other names: c.235-2A>G (NM_001330210.2); c.655-2A>G (NM_001330209.2).
Identifiers: ClinVar variation 588991 (VCV000588991.5), dbSNP rs1569122408, ClinGen allele CA412337767.